The following is an entry in ClinVar:

ClinVar aggregate classification (germline): Conflicting classifications of pathogenicity. Review status: criteria provided, conflicting classifications (1 of 4 stars). 6 submissions from 6 submitters: Uncertain significance (2); Likely benign (4). Last evaluated 2026-09-22.

Conditions:
Familial hypoparathyroidism. Also called: Familial isolated hypoparathyroidism. Identifiers: Orphanet 2238, MedGen C1832648, MONDO:0016390.
GCM2-related disorder. Also called: GCM2-related condition.

Allele frequency attached by ClinVar (database versions not stated): ExAC 0.00021; gnomAD exomes 0.00023; TOPMed 0.00026; ESP Exome Variant Server 0.00062.
gnomAD v4.1: 510 of 1,614,042 alleles (0.032%); highest among the groups gnomAD compares: Non-Finnish European, 0.035%; 3 homozygotes.

Submissions (6):

PreventionGenetics, part of Exact Sciences
Classification: Likely benign for GCM2-related condition. Last evaluated: 2026-09-22. Review status: criteria provided, single submitter. Criteria: ACMG Guidelines, 2015. Collection method: clinical testing. Allele origin: germline.
Comment: This variant is classified as likely benign based on ACMG/AMP sequence variant interpretation guidelines (Richards et al. 2015 PMID: 25741868, with internal and published modifications).

CeGaT Center for Human Genetics Tuebingen
Classification: Likely benign. Last evaluated: 2026-07-01. Review status: criteria provided, single submitter. Criteria: CeGaT Center For Human Genetics Tuebingen Variant Classification Criteria Version 2. Collection method: clinical testing. Allele origin: germline. Affected: yes. Observed: 1 variant allele.
Comment: GCM2: BP4, BP7

Labcorp Genetics (formerly Invitae), Labcorp
Classification: Likely benign. Last evaluated: 2026-01-26. Review status: criteria provided, single submitter. Criteria: Invitae Variant Classification Sherloc (09022015). Collection method: clinical testing. Allele origin: germline.

Blueprint Genetics
Classification: Likely benign. Last evaluated: 2024-11-07. Review status: criteria provided, single submitter. Criteria: ACMG Guidelines, 2015. Collection method: clinical testing. Allele origin: germline.

Revvity Omics, Revvity
Classification: Uncertain significance. Last evaluated: 2021-08-13. Review status: criteria provided, single submitter. Criteria: ACMG Guidelines, 2015. Collection method: clinical testing. Allele origin: germline.

Illumina Laboratory Services, Illumina
Classification: Uncertain significance for Hypoparathyroidism, familial isolated 1. Last evaluated: 2018-01-13. Review status: criteria provided, single submitter. Criteria: ICSL Variant Classification Criteria 13 December 2019. Collection method: clinical testing. Allele origin: germline.

NM_004752.4(GCM2):c.1395C>T (p.His465=)

Gene: GCM2 (GCM transcription factor 2; minus strand). Cytogenetic location: 6p24.2.
Variant type: single nucleotide variant.
Coding change: c.1395C>T on transcript NM_004752.4 (MANE Select); coding-DNA position 1395, C replaced by T.
Protein change: p.His465=; no amino-acid change (histidine 465 retained).
Molecular consequence: synonymous variant.
Genome position (GRCh38, 1-based): chr6:10,874,121, G>A on the plus strand (C>T on the coding strand, the complement: GCM2 is on the minus strand). VCF-style: chr6-10874121-G-A. GRCh37 (hg19) VCF-style: chr6-10874354-G-A.
Identifiers: ClinVar variation 717588 (VCV000717588.18), dbSNP rs139538731, ClinGen allele CA3633890.
Genomic context (GRCh38, chr6:10,874,121, plus strand): 5'-CAGCCCAGACAGACACACATCCCAAGTCTCTGCTTCATCTGTCCTAGAGGAAACTGGCTC[G>A]TGGGGAATAGCCACAGTGGGTCTGATGGCCCGGCAATCTCCTGCAATTTTCATAGGAGGT-3'
Protein context (NP_004743.1, residues 455-475): RAIRPTVAIP[His465=]EPVSSRTDEA